The following is an entry in ClinVar:

NM_006516.4(SLC2A1):c.18+254T>C

Genes: SLC2A1 (solute carrier family 2 member 1; minus strand), LOC129930369 (ATAC-STARR-seq lymphoblastoid silent region 772; plus strand). Cytogenetic location: 1p34.2.
Variant type: single nucleotide variant.
Coding change: c.18+254T>C on transcript NM_006516.4 (MANE Select); 254 bases into the intron after coding-DNA position 18, T replaced by C.
Molecular consequence: intron variant.
Genome position (GRCh38, 1-based): chr1:42,958,380, A>G on the plus strand (T>C on the coding strand, the complement: SLC2A1 is on the minus strand). VCF-style: chr1-42958380-A-G. GRCh37 (hg19) VCF-style: chr1-43424051-A-G.
Identifiers: ClinVar variation 668836 (VCV000668836.1), dbSNP rs114530232, ClinGen allele CA10670045.

ClinVar aggregate classification (germline): Benign (1 of 4 stars; one submission).

Allele frequency attached by ClinVar (database versions not stated): TOPMed 0.13469; 1000 Genomes Project 30x 0.13663; gnomAD 0.14142 and 0.14442; 1000 Genomes Project 0.14197.
gnomAD v4.1: 21,695 of 150,586 alleles (14%); highest among the groups gnomAD compares: South Asian, 19%; 1,778 homozygotes.

Submission:

GeneDx
Classification: Benign. Last evaluated: 2018-06-19. Review status: criteria provided, single submitter. Criteria: GeneDx Variant Classification (06012015). Collection method: clinical testing. Allele origin: germline. Affected: yes.
Comment: This variant is considered likely benign or benign based on one or more of the following criteria: it is a conservative change, it occurs at a poorly conserved position in the protein, it is predicted to be benign by multiple in silico algorithms, and/or has population frequency not consistent with disease.